The following is an entry in ClinVar:

NM_003954.5(MAP3K14):c.1290+4C>T

Gene: MAP3K14 (mitogen-activated protein kinase kinase kinase 14; minus strand). Cytogenetic location: 17q21.31.
Variant type: single nucleotide variant.
Coding change: c.1290+4C>T on transcript NM_003954.5 (MANE Select); 4 bases into the intron after coding-DNA position 1290, C replaced by T.
Molecular consequence: intron variant.
Genome position (GRCh38, 1-based): chr17:45,284,808, G>A on the plus strand (C>T on the coding strand, the complement: MAP3K14 is on the minus strand). VCF-style: chr17-45284808-G-A. GRCh37 (hg19) VCF-style: chr17-43362175-G-A.
Identifiers: ClinVar variation 2059171 (VCV002059171.1), dbSNP rs769698301, ClinGen allele CA8614184.

ClinVar aggregate classification (germline): Uncertain significance (1 of 4 stars; one submission).

Conditions:
NIK deficiency. Also called: Primary immunodeficiency with multifaceted aberrant lymphoid immunity. Identifiers: Orphanet 447731, MedGen C5680065, MONDO:0018642.

Allele frequency attached by ClinVar (database versions not stated): gnomAD 0.00001; ExAC 0.00002; TOPMed 0.00002.
gnomAD v4.1: 18 of 1,590,672 alleles (0.0011%); highest among the groups gnomAD compares: African/African-American, 0.0054%; no homozygotes.

Submission:

Labcorp Genetics (formerly Invitae), Labcorp
Classification: Uncertain significance for NIK deficiency. Last evaluated: 2021-12-13. Review status: criteria provided, single submitter. Criteria: Invitae Variant Classification Sherloc (09022015). Collection method: clinical testing. Allele origin: germline.
Comment: This sequence change falls in intron 6 of the MAP3K14 gene. It does not directly change the encoded amino acid sequence of the MAP3K14 protein. It affects a nucleotide within the consensus splice site. The frequency data for this variant in the population databases is considered unreliable, as metrics indicate poor data quality at this position in the gnomAD database. This variant has not been reported in the literature in individuals affected with MAP3K14-related conditions. Variants that disrupt the consensus splice site are a relatively common cause of aberrant splicing (PMID: 17576681, 9536098). Algorithms developed to predict the effect of sequence changes on RNA splicing suggest that this variant is not likely to affect RNA splicing. In summary, the available evidence is currently insufficient to determine the role of this variant in disease. Therefore, it has been classified as a Variant of Uncertain Significance.

Literature cited by the submitters: PubMed 17576681; PubMed 9536098.